The following is an entry in ClinVar:

ClinVar aggregate classification (germline): Benign/Likely benign. Review status: criteria provided, multiple submitters, no conflicts (2 of 4 stars). 4 submissions from 4 submitters: Benign (2); Likely benign (1). 1 of the submissions does not count toward it. Last evaluated 2025-10-10.

Conditions:
Spermatogenic failure 18. Identifiers: MedGen C4539783, MONDO:0054615, OMIM 617576.
Ciliary dyskinesia, primary, 37 (CILD37). Also called: CILIARY DYSKINESIA, PRIMARY, 37, WITH OR WITHOUT SITUS INVERSUS. Identifiers: MedGen C4539798, MONDO:0033204, OMIM 617577.
DNAH1-related disorder. Also called: DNAH1-related condition.

Allele frequency attached by ClinVar (database versions not stated): gnomAD exomes 0.00015; ExAC 0.00023; 1000 Genomes Project 0.00040; gnomAD 0.00070 and 0.00083; 1000 Genomes Project 30x 0.00078; ESP Exome Variant Server 0.00079; TOPMed 0.00080.

Submissions (4):

Labcorp Genetics (formerly Invitae), Labcorp
Classification: Benign for Ciliary dyskinesia, primary, 37; Spermatogenic failure 18. Last evaluated: 2025-10-10. Review status: criteria provided, single submitter. Criteria: Invitae Variant Classification Sherloc (09022015). Collection method: clinical testing. Allele origin: germline.

Blueprint Genetics
Classification: Likely benign. Last evaluated: 2024-11-15. Review status: criteria provided, single submitter. Criteria: ACMG Guidelines, 2015. Collection method: clinical testing. Allele origin: germline.

Breakthrough Genomics
Classification: Benign. Review status: criteria provided, single submitter. Criteria: ACMG Guidelines, 2015. Collection method: not provided. Allele origin: germline. Inheritance: Autosomal recessive inheritance. Affected: yes.

PreventionGenetics, part of Exact Sciences
Classification: Likely benign for DNAH1-related condition. Last evaluated: 2019-09-17. Review status: no assertion criteria provided. Collection method: clinical testing. Allele origin: germline. Not counted in ClinVar's aggregate classification.
Comment: This variant is classified as likely benign based on ACMG/AMP sequence variant interpretation guidelines (Richards et al. 2015 PMID: 25741868, with internal and published modifications).

NM_015512.5(DNAH1):c.11970C>T (p.Asp3990=)

Gene: DNAH1 (dynein axonemal heavy chain 1; plus strand). Cytogenetic location: 3p21.1.
Variant type: single nucleotide variant.
Coding change: c.11970C>T on transcript NM_015512.5 (MANE Select); coding-DNA position 11970, C replaced by T.
Protein change: p.Asp3990=; no amino-acid change (aspartic acid 3990 retained).
Molecular consequence: synonymous variant.
Genome position (GRCh38, 1-based): chr3:52,398,043, C>T. VCF-style: chr3-52398043-C-T. GRCh37 (hg19) VCF-style: chr3-52432059-C-T.
Identifiers: ClinVar variation 712763 (VCV000712763.14), dbSNP rs376132414, ClinGen allele CA2436352.